The following is an entry in ClinVar:

NM_001127222.2(CACNA1A):c.5453G>C (p.Arg1818Pro)

Gene: CACNA1A (calcium voltage-gated channel subunit alpha1 A; minus strand). Cytogenetic location: 19p13.13.
Variant type: single nucleotide variant.
Coding change: c.5453G>C on transcript NM_001127222.2 (MANE Select); coding-DNA position 5453, G replaced by C.
Protein change: p.Arg1818Pro; replaces arginine 1818 with proline.
Molecular consequence: missense variant.
Genome position (GRCh38, 1-based): chr19:13,230,157, C>G on the plus strand (G>C on the coding strand, the complement: CACNA1A is on the minus strand). VCF-style: chr19-13230157-C-G. GRCh37 (hg19) VCF-style: chr19-13340971-C-G.
Other names: c.5471G>C, p.Arg1824Pro (NM_000068.4, NM_023035.3); c.5456G>C, p.Arg1819Pro (NM_001127221.2); c.5462G>C, p.Arg1821Pro (NM_001174080.2); short protein forms R1818P, R1819P, R1821P, R1824P.
Identifiers: ClinVar variation 1301446 (VCV001301446.2), dbSNP rs745900417, ClinGen allele CA404333639.

ClinVar aggregate classification (germline): Uncertain significance (1 of 4 stars; one submission).

Submission:

GeneDx
Classification: Uncertain significance. Last evaluated: 2021-10-25. Review status: criteria provided, single submitter. Criteria: GeneDx Variant Classification Process June 2021. Collection method: clinical testing. Allele origin: germline. Affected: yes.
Comment: Not observed at significant frequency in large population cohorts (Lek et al., 2016); In silico analysis supports that this missense variant has a deleterious effect on protein structure/function; Has not been previously published as pathogenic or benign to our knowledge